The following is an entry in ClinVar:

NM_017721.5(CC2D1A):c.1015dup (p.Thr339fs)

Gene: CC2D1A (coiled-coil and C2 domain containing 1A; plus strand). Cytogenetic location: 19p13.12.
Variant type: Duplication.
Coding change: c.1015dup on transcript NM_017721.5 (MANE Select); coding-DNA position 1015, one base duplicated (A; older notation c.1015dupA).
Protein change: p.Thr339fs; shifts the reading frame from threonine 339.
Molecular consequence: frameshift variant.
Genome position (GRCh38, 1-based): chr19:13,918,814, A duplicated; the last of 2 consecutive A bases (chr19:13,918,813-13,918,814); duplicating either gives the same sequence. VCF-style (leftmost placement, unchanged base first): chr19-13918812-C-CA. GRCh37 (hg19) VCF-style: chr19-14029625-C-CA.
Other names: c.1015dup, p.Thr339fs (NM_001411138.1); short protein forms T339fs.
Identifiers: ClinVar variation 2842001 (VCV002842001.3), dbSNP rs2513093326, ClinGen allele CA2739276576.
Genomic context (GRCh38, chr19:13,918,812, plus strand): 5'-TGCCCCCAGACCCACCGTCACCACCGTCGCAGCCTCCGACCCCCGCTACGGCGCCCTCCA[C>CA]AACAGGTAGGTTCTGGGACCCTCTGGGGTTGGGGGCAGGCTGGAGCCAGACTGTCTACCC-3'

ClinVar aggregate classification (germline): Pathogenic (1 of 4 stars; one submission).

Submission:

Labcorp Genetics (formerly Invitae), Labcorp
Classification: Pathogenic. Last evaluated: 2023-03-01. Review status: criteria provided, single submitter. Criteria: Invitae Variant Classification Sherloc (09022015). Collection method: clinical testing. Allele origin: germline.
Comment: For these reasons, this variant has been classified as Pathogenic. This variant has not been reported in the literature in individuals affected with CC2D1A-related conditions. This variant is not present in population databases (gnomAD no frequency). This sequence change creates a premature translational stop signal (p.Thr339Asnfs*64) in the CC2D1A gene. It is expected to result in an absent or disrupted protein product. Loss-of-function variants in CC2D1A are known to be pathogenic (PMID: 16033914).

Literature cited by the submitters: PubMed 16033914.